The following is an entry in ClinVar:

ClinVar aggregate classification (germline): Uncertain significance (1 of 4 stars; one submission).

Conditions:
Pallister-Hall syndrome (PHS). Also called: GLI3-Related Pallister-Hall Syndrome; HYPOTHALAMIC HAMARTOBLASTOMA, HYPOPITUITARISM, IMPERFORATE ANUS, AND POSTAXIAL POLYDACTYLY. Identifiers: Orphanet 672, MedGen C0265220, MONDO:0007804, OMIM 146510.
Greig cephalopolysyndactyly syndrome (GCPS). Also called: POLYSYNDACTYLY WITH PECULIAR SKULL SHAPE; Greig syndrome; GLI3-Related Greig Cephalopolysyndactyly Syndrome. Identifiers: Orphanet 380, MedGen C0265306, MONDO:0008287, OMIM 175700.

Submission:

Labcorp Genetics (formerly Invitae), Labcorp
Classification: Uncertain significance for Pallister-Hall syndrome; Greig cephalopolysyndactyly syndrome. Last evaluated: 2025-07-20. Review status: criteria provided, single submitter. Criteria: Invitae Variant Classification Sherloc (09022015). Collection method: clinical testing. Allele origin: germline.
Comment: This sequence change replaces cysteine, which is neutral and slightly polar, with tyrosine, which is neutral and polar, at codon 548 of the GLI3 protein (p.Cys548Tyr). This variant is not present in population databases (gnomAD no frequency). This variant has not been reported in the literature in individuals affected with GLI3-related conditions. Invitae Evidence Modeling of protein sequence and biophysical properties (such as structural, functional, and spatial information, amino acid conservation, physicochemical variation, residue mobility, and thermodynamic stability) indicates that this missense variant is expected to disrupt GLI3 protein function with a positive predictive value of 95%. In summary, the available evidence is currently insufficient to determine the role of this variant in disease. Therefore, it has been classified as a Variant of Uncertain Significance.

NM_000168.6(GLI3):c.1643G>A (p.Cys548Tyr)

Gene: GLI3 (GLI family zinc finger 3; minus strand). Cytogenetic location: 7p14.1.
Variant type: single nucleotide variant.
Coding change: c.1643G>A on transcript NM_000168.6 (MANE Select); coding-DNA position 1643, G replaced by A.
Protein change: p.Cys548Tyr; replaces cysteine 548 with tyrosine.
Molecular consequence: missense variant.
Genome position (GRCh38, 1-based): chr7:41,978,603, C>T on the plus strand (G>A on the coding strand, the complement: GLI3 is on the minus strand). VCF-style: chr7-41978603-C-T. GRCh37 (hg19) VCF-style: chr7-42018202-C-T.
Other names: short protein forms C548Y.
Identifiers: ClinVar variation 4783594 (VCV004783594.1).